The following is an entry in ClinVar:

ClinVar aggregate classification (germline): Pathogenic/Likely pathogenic. Review status: criteria provided, multiple submitters, no conflicts (2 of 4 stars). 4 submissions from 4 submitters: Pathogenic (1); Likely pathogenic (3). Last evaluated 2025-11-06.

Conditions:
Maple syrup urine disease (MSUD). Identifiers: Orphanet 511, MedGen C0024776, MeSH D008375, MONDO:0009563. Disease mechanism: loss of function.
Maple syrup urine disease type 1B (MSUD1B). Also called: MSUD type IB; MSUD type 3 (formerly); MSUD due to deficiency of e1-beta subunit of branched-chain alpha-keto acid dehydrogenase complex. Identifiers: MedGen C2930990, MONDO:0023692, OMIM 620698.

Submissions (4):

Natera, Inc.
Classification: Likely pathogenic for Maple syrup urine disease type 1B. Last evaluated: 2025-11-06. Review status: criteria provided, single submitter. Criteria: Natera Variant Classification Schema (03/2026). Collection method: clinical testing. Allele origin: germline.
Comment: The c.612delT variant in BCKDHB is a frameshift variant predicted to shift the reading frame beginning at codon 204 and leads to a stop codon 26 codons downstream. This variant is expected to result in nonsense mediated decay, truncation, or a dysfunctional protein product. This variant is rare in the general population with a frequency below the threshold expected for the associated phenotype(s). Given the available evidence, this variant is classified as Likely Pathogenic.

Labcorp Genetics (formerly Invitae), Labcorp
Classification: Pathogenic for Maple syrup urine disease. Last evaluated: 2025-06-23. Review status: criteria provided, single submitter. Criteria: Invitae Variant Classification Sherloc (09022015). Collection method: clinical testing. Allele origin: germline.
Comment: This sequence change creates a premature translational stop signal (p.Phe204Leufs*26) in the BCKDHB gene. It is expected to result in an absent or disrupted protein product. Loss-of-function variants in BCKDHB are known to be pathogenic (PMID: 16786533, 22593002). This variant is present in population databases (no rsID available, gnomAD no frequency). This variant has not been reported in the literature in individuals affected with BCKDHB-related conditions. ClinVar contains an entry for this variant (Variation ID: 949272). For these reasons, this variant has been classified as Pathogenic.

Fulgent Genetics
Classification: Likely pathogenic for Maple syrup urine disease type 1B. Last evaluated: 2024-03-18. Review status: criteria provided, single submitter. Criteria: ACMG Guidelines, 2015. Collection method: clinical testing. Allele origin: germline.

Baylor Genetics
Classification: Likely pathogenic for Maple syrup urine disease type 1A. Last evaluated: 2022-09-24. Review status: criteria provided, single submitter. Criteria: ACMG Guidelines, 2015. Collection method: clinical testing. Allele origin: unknown.

Literature cited by the submitters: PubMed 16786533 (cited by Labcorp Genetics (formerly Invitae), Labcorp); PubMed 22593002 (cited by Labcorp Genetics (formerly Invitae), Labcorp).

NM_183050.4(BCKDHB):c.612del (p.Phe204fs)

Gene: BCKDHB (branched chain keto acid dehydrogenase E1 subunit beta; plus strand). Cytogenetic location: 6q14.1.
Variant type: Deletion.
Coding change: c.612del on transcript NM_183050.4 (MANE Select); coding-DNA position 612, one base deleted (T; older notation c.612delT).
Protein change: p.Phe204fs; shifts the reading frame from phenylalanine 204.
Molecular consequence: frameshift variant. On other transcripts: non-coding transcript variant (1).
Genome position (GRCh38, 1-based): chr6:80,169,009, T deleted; the last of 6 consecutive T bases (chr6:80,169,004-80,169,009); deleting any one gives the same sequence. VCF-style (leftmost placement, unchanged base first): chr6-80169003-AT-A. GRCh37 (hg19) VCF-style: chr6-80878720-AT-A.
Other names: c.612delT (NM_183050.3); c.612del (NM_183050.3); c.612del, p.Phe204fs (NM_000056.5); c.402del, p.Phe134fs (NM_001318975.1); short protein forms F134fs, F204fs.
Identifiers: ClinVar variation 949272 (VCV000949272.10), dbSNP rs1210649507, ClinGen allele CA568398641.
Genomic context (GRCh38, chr6:80,169,003, plus strand): 5'-CCGGTCCCCTTGGGGCTGTGTTGGTCATGGGGCTCTCTATCATTCTCAGAGTCCTGAAGC[AT>A]TTTTTGCCCATTGCCCAGGAATCAAGGTATGTTCATTTATGTACTTTATTTGATTTCTAT-3'